The following is an entry in ClinVar:

ClinVar aggregate classification (germline): Uncertain significance. Review status: criteria provided, single submitter (1 of 4 stars). 2 submissions from 2 submitters: Uncertain significance (1). 1 of the submissions does not count toward it. Last evaluated 2018-02-14.

Conditions:
Exudative vitreoretinopathy 1 (EVR1). Also called: CRISWICK-SCHEPENS SYNDROME; FEVR, AUTOSOMAL DOMINANT; Familial exudative vitreoretinopathy, autosomal dominant. Identifiers: Orphanet 891, Orphanet 90050, MedGen C1851402, MONDO:0007589, OMIM 133780.

Allele frequency attached by ClinVar (database versions not stated): TOPMed below 0.00001.

Submissions (2):

Baylor Genetics
Classification: Uncertain significance for Exudative vitreoretinopathy 1. Last evaluated: 2018-02-14. Review status: criteria provided, single submitter. Criteria: ACMG Guidelines, 2015. Collection method: clinical testing. Allele origin: unknown. Affected: yes.
Comment: This variant was determined to be of uncertain significance according to ACMG Guidelines, 2015 [PMID:25741868].

Biochemical Molecular Genetic Laboratory, King Abdulaziz Medical City
Classification: Uncertain significance for Exudative vitreoretinopathy 1. Last evaluated: 2019-09-26. Review status: no assertion criteria provided. Collection method: clinical testing. Allele origin: germline. Affected: yes. Not counted in ClinVar's aggregate classification.

NM_012193.4(FZD4):c.461A>G (p.His154Arg)

Genes: PRSS23 (serine protease 23; plus strand), FZD4 (frizzled class receptor 4; minus strand). Cytogenetic location: 11q14.2.
Variant type: single nucleotide variant.
Coding change: c.461A>G on transcript NM_012193.4 (MANE Select); coding-DNA position 461, A replaced by G.
Protein change: p.His154Arg; replaces histidine 154 with arginine.
Molecular consequence: missense variant. On other transcripts: non-coding transcript variant (2).
Genome position (GRCh38, 1-based): chr11:86,952,295, T>C on the plus strand (A>G on the coding strand, the complement: FZD4 is on the minus strand). VCF-style: chr11-86952295-T-C. GRCh37 (hg19) VCF-style: chr11-86663337-T-C.
Other names: short protein forms H154R.
Identifiers: ClinVar variation 801000 (VCV000801000.2), dbSNP rs1334686841, ClinGen allele CA382016252.